The following is an entry in ClinVar:

NM_145691.4(ATPAF2):c.713G>A (p.Arg238His)

Gene: ATPAF2 (ATP synthase mitochondrial F1 complex assembly factor 2; minus strand). Cytogenetic location: 17p11.2.
Variant type: single nucleotide variant.
Coding change: c.713G>A on transcript NM_145691.4 (MANE Select); coding-DNA position 713, G replaced by A.
Protein change: p.Arg238His; replaces arginine 238 with histidine.
Molecular consequence: missense variant.
Genome position (GRCh38, 1-based): chr17:18,021,142, C>T on the plus strand (G>A on the coding strand, the complement: ATPAF2 is on the minus strand). VCF-style: chr17-18021142-C-T. GRCh37 (hg19) VCF-style: chr17-17924456-C-T.
Other names: short protein forms R238H.
Identifiers: ClinVar variation 1032471 (VCV001032471.5), dbSNP rs770015610, ClinGen allele CA8421771.
Genomic context (GRCh38, chr17:18,021,142, plus strand): 5'-ACTAGGAAGGGGGAGGCGGGACCTGAGGTGCTGCTCCTCACCTGGTACTCCTCCTCCAGG[C>T]GTGACAGCAGCACGGCCTGCTCCACTGTCAGGCGCAGGTCAATCAGGCCCAAGGTTAGCA-3'
Protein context (NP_663729.1, residues 228-248): LTVEQAVLLS[Arg238His]LEEEYQIQKW

ClinVar aggregate classification (germline): Uncertain significance. Review status: criteria provided, multiple submitters, no conflicts (2 of 4 stars). 2 submissions from 2 submitters: Uncertain significance (2). Last evaluated 2023-04-17.

Conditions:
Mitochondrial complex V (ATP synthase) deficiency, nuclear type 1. Also called: Nuclear-Encoded ATPase Deficiency, ATPAF2-Related; MITOCHONDRIAL COMPLEX V (ATP SYNTHASE) DEFICIENCY, ATPAF2 TYPE. Identifiers: Orphanet 254913, MedGen C3276276, MONDO:0011421, OMIM 604273.

Allele frequency attached by ClinVar (database versions not stated): gnomAD 0.00002; TOPMed 0.00003.
gnomAD v4.1: 70 of 1,613,650 alleles (0.0043%); highest among the groups gnomAD compares: Admixed American, 0.038%; no homozygotes.

Submissions (2):

Labcorp Genetics (formerly Invitae), Labcorp
Classification: Uncertain significance. Last evaluated: 2023-04-17. Review status: criteria provided, single submitter. Criteria: Invitae Variant Classification Sherloc (09022015). Collection method: clinical testing. Allele origin: germline.
Comment: Advanced modeling of protein sequence and biophysical properties (such as structural, functional, and spatial information, amino acid conservation, physicochemical variation, residue mobility, and thermodynamic stability) performed at Invitae indicates that this missense variant is not expected to disrupt ATPAF2 protein function. ClinVar contains an entry for this variant (Variation ID: 1032471). This variant has not been reported in the literature in individuals affected with ATPAF2-related conditions. This variant is present in population databases (rs770015610, gnomAD 0.06%), and has an allele count higher than expected for a pathogenic variant. This sequence change replaces arginine, which is basic and polar, with histidine, which is basic and polar, at codon 238 of the ATPAF2 protein (p.Arg238His). In summary, the available evidence is currently insufficient to determine the role of this variant in disease. Therefore, it has been classified as a Variant of Uncertain Significance.

Baylor Genetics
Classification: Uncertain significance for Mitochondrial complex V (ATP synthase) deficiency, nuclear type 1. Last evaluated: 2018-03-21. Review status: criteria provided, single submitter. Criteria: ACMG Guidelines, 2015. Collection method: clinical testing. Allele origin: paternal. Affected: yes.
Comment: This variant was determined to be of uncertain significance according to ACMG Guidelines, 2015 [PMID:25741868].